The following is an entry in ClinVar:

NM_015338.6(ASXL1):c.671C>T (p.Thr224Ile)

Gene: ASXL1 (ASXL transcriptional regulator 1; plus strand). Cytogenetic location: 20q11.21.
Variant type: single nucleotide variant.
Coding change: c.671C>T on transcript NM_015338.6 (MANE Select); coding-DNA position 671, C replaced by T.
Protein change: p.Thr224Ile; replaces threonine 224 with isoleucine.
Molecular consequence: missense variant. On other transcripts: intron variant (1).
Genome position (GRCh38, 1-based): chr20:32,430,006, C>T. VCF-style: chr20-32430006-C-T. GRCh37 (hg19) VCF-style: chr20-31017809-C-T.
Other names: c.535+575C>T (NM_001363734.1); short protein forms T224I.
Identifiers: ClinVar variation 1926421 (VCV001926421.5), dbSNP rs1165775102, ClinGen allele CA408553080.
Genomic context (GRCh38, chr20:32,430,006, plus strand): 5'-GCAGCAGCAGCGGCTCTCTGGCCCTGGGCAGCGCTGCTATTCGTGGCCAGGCCGAGGTCA[C>T]CCAGGACCCTGCCCCGCTCCTGAGAGGCTTCCGGAAGCCAGCCACAGGTGAGTGGCGTGG-3'
Protein context (NP_056153.2, residues 214-234): SAAIRGQAEV[Thr224Ile]QDPAPLLRGF

ClinVar aggregate classification (germline): Uncertain significance (1 of 4 stars; one submission).

Allele frequency attached by ClinVar (database versions not stated): gnomAD exomes below 0.00001.
gnomAD v4.1: 2 of 1,608,206 alleles (0.00012%); highest among the groups gnomAD compares: Admixed American, 0.0033%; no homozygotes.

Submission:

Labcorp Genetics (formerly Invitae), Labcorp
Classification: Uncertain significance. Last evaluated: 2023-10-03. Review status: criteria provided, single submitter. Criteria: Invitae Variant Classification Sherloc (09022015). Collection method: clinical testing. Allele origin: germline.
Comment: This sequence change replaces threonine, which is neutral and polar, with isoleucine, which is neutral and non-polar, at codon 224 of the ASXL1 protein (p.Thr224Ile). This variant is present in population databases (no rsID available, gnomAD 0.006%). This variant has not been reported in the literature in individuals affected with ASXL1-related conditions. ClinVar contains an entry for this variant (Variation ID: 1926421). An algorithm developed to predict the effect of missense changes on protein structure and function (PolyPhen-2) suggests that this variant is likely to be tolerated. In summary, the available evidence is currently insufficient to determine the role of this variant in disease. Therefore, it has been classified as a Variant of Uncertain Significance.